The following is an entry in ClinVar:

ClinVar aggregate classification (germline): Uncertain significance (1 of 4 stars; one submission).

gnomAD v4.1: 2 of 1,553,118 alleles (0.00013%); highest among the groups gnomAD compares: Non-Finnish European, 0.00017%; no homozygotes.

Submission:

Ambry Genetics
Classification: Uncertain significance. Last evaluated: 2025-03-08. Review status: criteria provided, single submitter. Criteria: Ambry Variant Classification Scheme 2023. Collection method: clinical testing. Allele origin: germline.
Comment: The p.R2087S variant (also known as c.6261G>T), located in coding exon 27 of the WNK2 gene, results from a G to T substitution at nucleotide position 6261. The arginine at codon 2087 is replaced by serine, an amino acid with dissimilar properties. This amino acid position is conserved. In addition, this alteration is predicted to be tolerated by in silico analysis. Based on the available evidence, the clinical significance of this variant remains unclear.

NM_006648.4(WNK2):c.6261G>T (p.Arg2087Ser)

Gene: WNK2 (WNK lysine deficient protein kinase 2; plus strand). Cytogenetic location: 9q22.31.
Variant type: single nucleotide variant.
Coding change: c.6261G>T on transcript NM_006648.4 (MANE Select); coding-DNA position 6261, G replaced by T.
Protein change: p.Arg2087Ser; replaces arginine 2087 with serine.
Molecular consequence: missense variant.
Genome position (GRCh38, 1-based): chr9:93,308,329, G>T. VCF-style: chr9-93308329-G-T. GRCh37 (hg19) VCF-style: chr9-96070611-G-T.
Other names: c.6372G>T, p.Arg2124Ser (NM_001282394.3); short protein forms R2124S, R2087S.
Identifiers: ClinVar variation 3817243 (VCV003817243.1).